The following is an entry in ClinVar:

ClinVar aggregate classification (germline): Uncertain significance (1 of 4 stars; one submission).

Conditions:
Inosine triphosphatase deficiency. Also called: INOSINE TRIPHOSPHATE PYROPHOSPHOHYDROLASE DEFICIENCY. Identifiers: MedGen C0342800, MONDO:0013461, OMIM 613850.

Submission:

Labcorp Genetics (formerly Invitae), Labcorp
Classification: Uncertain significance for Inosine triphosphatase deficiency. Last evaluated: 2021-07-14. Review status: criteria provided, single submitter. Criteria: Invitae Variant Classification Sherloc (09022015). Collection method: clinical testing. Allele origin: germline.
Comment: This sequence change replaces alanine with valine at codon 37 of the ITPA protein (p.Ala37Val). The alanine residue is moderately conserved and there is a small physicochemical difference between alanine and valine. In summary, the available evidence is currently insufficient to determine the role of this variant in disease. Therefore, it has been classified as a Variant of Uncertain Significance. Algorithms developed to predict the effect of sequence changes on RNA splicing suggest that this variant may create or strengthen a splice site, but this prediction has not been confirmed by published transcriptional studies. Algorithms developed to predict the effect of missense changes on protein structure and function (SIFT, PolyPhen-2, Align-GVGD) all suggest that this variant is likely to be tolerated, but these predictions have not been confirmed by published functional studies and their clinical significance is uncertain. This variant has not been reported in the literature in individuals with ITPA-related conditions. This variant is not present in population databases (ExAC no frequency).

NM_033453.4(ITPA):c.110C>T (p.Ala37Val)

Gene: ITPA (inosine triphosphatase; plus strand). Cytogenetic location: 20p13.
Variant type: single nucleotide variant.
Coding change: c.110C>T on transcript NM_033453.4 (MANE Select); coding-DNA position 110, C replaced by T.
Protein change: p.Ala37Val; replaces alanine 37 with valine.
Molecular consequence: missense variant. On other transcripts: 5 prime UTR variant (1), non-coding transcript variant (2), intron variant (4).
Genome position (GRCh38, 1-based): chr20:3,213,212, C>T. VCF-style: chr20-3213212-C-T. GRCh37 (hg19) VCF-style: chr20-3193858-C-T.
Other names: c.-228C>T (NM_001324237.2); c.110C>T, p.Ala37Val (NM_001324240.2); c.59C>T, p.Ala20Val (NM_181493.4); c.-274-46C>T (NM_001324238.2, NM_001324236.2, NM_001351739.2); c.67-773C>T (NM_001267623.2); short protein forms A20V, A37V.
Identifiers: ClinVar variation 1056971 (VCV001056971.9), dbSNP rs773069391, ClinGen allele CA408076768.